The following is an entry in ClinVar:

NM_001253697.2(ERBIN):c.3347C>G (p.Thr1116Ser)

Gene: ERBIN (erbb2 interacting protein; plus strand). Cytogenetic location: 5q12.3.
Variant type: single nucleotide variant.
Coding change: c.3347C>G on transcript NM_001253697.2 (MANE Select); coding-DNA position 3347, C replaced by G.
Protein change: p.Thr1116Ser; replaces threonine 1116 with serine.
Molecular consequence: missense variant.
Genome position (GRCh38, 1-based): chr5:66,054,665, C>G. VCF-style: chr5-66054665-C-G. GRCh37 (hg19) VCF-style: chr5-65350493-C-G.
Other names: c.3347C>G, p.Thr1116Ser (NM_001006600.3, NM_001253698.2, NM_001253699.2 and 1 more transcripts); c.3335C>G, p.Thr1112Ser (NM_001253701.2); short protein forms T1112S, T1116S.
Identifiers: ClinVar variation 2893277 (VCV002893277.3), dbSNP rs375366413, ClinGen allele CA3286645.

ClinVar aggregate classification (germline): Uncertain significance (1 of 4 stars; one submission).

Allele frequency attached by ClinVar (database versions not stated): gnomAD exomes below 0.00001; ExAC 0.00002; TOPMed 0.00005; gnomAD 0.00007; ESP Exome Variant Server 0.00008.
gnomAD v4.1: 17 of 1,613,888 alleles (0.0011%); highest among the groups gnomAD compares: African/African-American, 0.019%; no homozygotes.

Submission:

Labcorp Genetics (formerly Invitae), Labcorp
Classification: Uncertain significance. Last evaluated: 2024-03-28. Review status: criteria provided, single submitter. Criteria: Invitae Variant Classification Sherloc (09022015). Collection method: clinical testing. Allele origin: germline.
Comment: This sequence change replaces threonine, which is neutral and polar, with serine, which is neutral and polar, at codon 1116 of the ERBIN protein (p.Thr1116Ser). This variant is present in population databases (rs375366413, gnomAD 0.03%). This variant has not been reported in the literature in individuals affected with ERBIN-related conditions. An algorithm developed to predict the effect of missense changes on protein structure and function (PolyPhen-2) suggests that this variant is likely to be tolerated. In summary, the available evidence is currently insufficient to determine the role of this variant in disease. Therefore, it has been classified as a Variant of Uncertain Significance.